The following is an entry in ClinVar:

NM_003597.5(KLF11):c.*241A>G

Gene: KLF11 (KLF transcription factor 11; plus strand). Cytogenetic location: 2p25.1.
Variant type: single nucleotide variant.
Coding change: c.*241A>G on transcript NM_003597.5 (MANE Select); 241 bases downstream of the stop codon, A replaced by G.
Molecular consequence: 3 prime UTR variant.
Genome position (GRCh38, 1-based): chr2:10,052,748, A>G. VCF-style: chr2-10052748-A-G. GRCh37 (hg19) VCF-style: chr2-10192875-A-G.
Other names: c.*241A>G (NM_001177716.2, NM_001177718.2).
Identifiers: ClinVar variation 330652 (VCV000330652.6), dbSNP rs191010106, ClinGen allele CA10610523.

ClinVar aggregate classification (germline): Benign/Likely benign. Review status: criteria provided, multiple submitters, no conflicts (2 of 4 stars). 2 submissions from 2 submitters: Benign (1); Likely benign (1). Last evaluated 2018-10-16.

Conditions:
Maturity-onset diabetes of the young type 7 (MODY7). Identifiers: Orphanet 552, MedGen C1864839, MONDO:0012513, OMIM 610508.

Allele frequency attached by ClinVar (database versions not stated): gnomAD exomes 0.00045; gnomAD 0.00291 and 0.00309; 1000 Genomes Project 0.00319; TOPMed 0.00329; 1000 Genomes Project 30x 0.00375.
gnomAD v4.1: 613 of 494,508 alleles (0.12%); highest among the groups gnomAD compares: African/African-American, 0.92%; 2 homozygotes.

Submissions (2):

GeneDx
Classification: Likely benign. Last evaluated: 2018-10-16. Review status: criteria provided, single submitter. Criteria: GeneDx Variant Classification Process June 2021. Collection method: clinical testing. Allele origin: germline. Affected: yes.

Illumina Laboratory Services, Illumina
Classification: Benign for Maturity-onset diabetes of the young type 7. Last evaluated: 2018-01-12. Review status: criteria provided, single submitter. Criteria: ICSL Variant Classification Criteria 13 December 2019. Collection method: clinical testing. Allele origin: germline.
Comment: This variant was observed in the ICSL laboratory as part of a predisposition screen in an ostensibly healthy population. It had not been previously curated by ICSL or reported in the Human Gene Mutation Database (HGMD: prior to June 1st, 2018), and was therefore a candidate for classification through an automated scoring system. Utilizing variant allele frequency, disease prevalence and penetrance estimates, and inheritance mode, an automated score was calculated to assess if this variant is too frequent to cause the disease. Based on the score and internal cut-off values, a variant classified as benign is not then subjected to further curation. The score for this variant resulted in a classification of benign for this disease.